The following is an entry in ClinVar:

NM_005609.4(PYGM):c.198del (p.Arg67fs)

Gene: PYGM (glycogen phosphorylase, muscle associated; minus strand). Cytogenetic location: 11q13.1.
Variant type: Deletion.
Coding change: c.198del on transcript NM_005609.4 (MANE Select); coding-DNA position 198, one base deleted (G; older notation c.198delG).
Protein change: p.Arg67fs; shifts the reading frame from arginine 67.
Molecular consequence: frameshift variant.
Genome position (GRCh38, 1-based): chr11:64,759,701, C deleted on the plus strand (G on the coding strand, the reverse complement: PYGM is on the minus strand); the first of 4 consecutive C bases (chr11:64,759,701-64,759,704); deleting any one gives the same sequence. VCF-style (leftmost placement, unchanged base first): chr11-64759700-GC-G. GRCh37 (hg19) VCF-style: chr11-64527172-GC-G.
Other names: c.198del, p.Arg67fs (NM_001164716.1); c.198delG (NM_005609.4); short protein forms R67fs.
Identifiers: ClinVar variation 550433 (VCV000550433.3), dbSNP rs750857876, ClinGen allele CA6080346.

ClinVar aggregate classification (germline): Pathogenic. Review status: criteria provided, single submitter (1 of 4 stars). 2 submissions from 2 submitters: Pathogenic (1). 1 of the submissions does not count toward it. Last evaluated 2023-12-08.

Conditions:
Glycogen storage disease, type V (GSD5). Also called: MYOPHOSPHORYLASE DEFICIENCY; MCARDLE DISEASE; MUSCLE GLYCOGEN PHOSPHORYLASE DEFICIENCY; PYGM DEFICIENCY; McArdle type glycogen storage disease. Identifiers: Orphanet 368, MedGen C0017924, MONDO:0009293, OMIM 232600.

Submissions (2):

Women's Health and Genetics/Laboratory Corporation of America, LabCorp
Classification: Pathogenic for Glycogen storage disease, type V. Last evaluated: 2023-12-08. Review status: criteria provided, single submitter. Criteria: LabCorp Variant Classification Summary - May 2015. Collection method: clinical testing. Allele origin: germline.
Comment: Variant summary: PYGM c.198delG (p.Arg67AlafsX22) results in a premature termination codon, predicted to cause a truncation of the encoded protein or absence of the protein due to nonsense mediated decay, which are commonly known mechanisms for disease. Variants downstream of this position have been classified as pathogenic by our laboratory. The variant allele was found at a frequency of 4e-06 in 251082 control chromosomes (gnomAD). To our knowledge, no occurrence of c.198delG in individuals affected with Glycogen Storage Disease, Type V and no experimental evidence demonstrating its impact on protein function have been reported. One submitter has cited clinical-significance assessments for this variant to ClinVar after 2014 and has classified the variant as likely pathogenic. Based on the evidence outlined above, the variant was classified as pathogenic.

Counsyl
Classification: Likely pathogenic for Glycogen storage disease, type V. Last evaluated: 2017-01-17. Review status: no assertion criteria provided. Collection method: clinical testing. Allele origin: unknown. Not counted in ClinVar's aggregate classification.